The following is an entry in ClinVar:

NM_003486.7(SLC7A5):c.668A>T (p.Asp223Val)

Gene: SLC7A5 (solute carrier family 7 member 5; minus strand). Cytogenetic location: 16q24.2.
Variant type: single nucleotide variant.
Coding change: c.668A>T on transcript NM_003486.7 (MANE Select); coding-DNA position 668, A replaced by T.
Protein change: p.Asp223Val; replaces aspartic acid 223 with valine.
Molecular consequence: missense variant.
Genome position (GRCh38, 1-based): chr16:87,841,152, T>A on the plus strand (A>T on the coding strand, the complement: SLC7A5 is on the minus strand). VCF-style: chr16-87841152-T-A. GRCh37 (hg19) VCF-style: chr16-87874758-T-A.
Other names: short protein forms D223V.
Identifiers: ClinVar variation 777064 (VCV000777064.6), dbSNP rs17853937, ClinGen allele CA8222971.
Genomic context (GRCh38, chr16:87,841,152, plus strand): 5'-ATGTTCCCCACATCCAGTTTGGTGCCTTCAAATGAGAAGTTGGGATCTAGATTGGACACA[T>A]CACCTGGCAGGGCCAAAGAAAGGAATGCTGGGTTAGAGAGCGCTGAACAGAGGTCATGCT-3'
Protein context (NP_003477.4, residues 213-233): LLGFVQIGKG[Asp223Val]VSNLDPNFSF

ClinVar aggregate classification (germline): Benign. Review status: criteria provided, multiple submitters, no conflicts (2 of 4 stars). 3 submissions from 3 submitters: Benign (2). 1 of the submissions does not count toward it. Last evaluated 2018-11-05.

Conditions:
SLC7A5-related disorder. Also called: SLC7A5-related condition.

Allele frequency attached by ClinVar (database versions not stated): gnomAD exomes 0.00077 and 0.00210; ExAC 0.00277; 1000 Genomes Project 0.00799; gnomAD 0.00805 and 0.00857; 1000 Genomes Project 30x 0.00906; TOPMed 0.00914; ESP Exome Variant Server 0.01139.
gnomAD v4.1: 2,378 of 1,606,832 alleles (0.15%); highest among the groups gnomAD compares: African/African-American, 2.9%; 22 homozygotes.

Submissions (3):

Labcorp Genetics (formerly Invitae), Labcorp
Classification: Benign. Last evaluated: 2018-11-05. Review status: criteria provided, single submitter. Criteria: Invitae Variant Classification Sherloc (09022015). Collection method: clinical testing. Allele origin: germline.

Breakthrough Genomics
Classification: Benign. Review status: criteria provided, single submitter. Criteria: ACMG Guidelines, 2015. Collection method: not provided. Allele origin: germline. Inheritance: Unknown mechanism. Affected: yes.

PreventionGenetics, part of Exact Sciences
Classification: Benign for SLC7A5-related condition. Last evaluated: 2019-06-04. Review status: no assertion criteria provided. Collection method: clinical testing. Allele origin: germline. Not counted in ClinVar's aggregate classification.
Comment: This variant is classified as benign based on ACMG/AMP sequence variant interpretation guidelines (Richards et al. 2015 PMID: 25741868, with internal and published modifications).